The following is an entry in ClinVar:

ClinVar aggregate classification (germline): Pathogenic. Review status: criteria provided, multiple submitters, no conflicts (2 of 4 stars). 2 submissions from 2 submitters: Pathogenic (2). Last evaluated 2025-12-15.

Conditions:
Osteogenesis imperfecta type 7 (OI7). Also called: OSTEOGENESIS IMPERFECTA, TYPE IIB; Osteogenesis imperfecta type 2B; OI type 2B; Osteogenesis imperfecta, perinatal lethal autosomal recessive; OI type IIB; OI type 7. Identifiers: MedGen C1853162, MONDO:0012536, OMIM 610682.

Allele frequency attached by ClinVar (database versions not stated): TOPMed 0.00001.
gnomAD v4.1: 7 of 1,613,626 alleles (0.00043%); highest among the groups gnomAD compares: East Asian, 0.013%; no homozygotes.

Submissions (3):

Labcorp Genetics (formerly Invitae), Labcorp
Classification: Pathogenic for Osteogenesis imperfecta type 7. Last evaluated: 2025-12-15. Review status: criteria provided, single submitter. Criteria: Invitae Variant Classification Sherloc (09022015). Collection method: clinical testing. Allele origin: germline.
Comment: This sequence change falls in intron 6 of the CRTAP gene. It does not directly change the encoded amino acid sequence of the CRTAP protein. It affects a nucleotide within the consensus splice site. This variant is present in population databases (rs201554363, gnomAD 0.04%). This variant has been observed in individual(s) with osteogenesis imperfecta (PMID: 32922437). In at least one individual the data is consistent with being in trans (on the opposite chromosome) from a pathogenic variant. It has also been observed to segregate with disease in related individuals. ClinVar contains an entry for this variant (Variation ID: 1019549). Studies have shown that this variant alters CRTAP gene expression (PMID: 32922437). Variants that disrupt the consensus splice site are a relatively common cause of aberrant splicing (PMID: 17576681, 9536098). Algorithms developed to predict the effect of sequence changes on RNA splicing suggest that this variant may disrupt the consensus splice site. For these reasons, this variant has been classified as Pathogenic.

Juno Genomics, Hangzhou Juno Genomics, Inc
Classification: Pathogenic for Osteogenesis imperfecta type 7. Review status: criteria provided, single submitter. Criteria: ACMG Guidelines, 2015. Collection method: clinical testing. Allele origin: germline.
Comment: Absent from controls (or at extremely low frequency if recessive) in Genome Aggregation Database.;Well-established in vitro or in vivo functional studies supportive of a damaging effect on the gene or gene product.;For recessive disorders, detected in trans with a pathogenic variant.;Patient's phenotype or family history is highly specific for a disease with a single genetic etiology.

Dr. Peter K. Rogan Lab, Western University
No classification provided (evidence only). Condition: Ovarian cancer. Review status: no classification provided. Collection method: in vitro. Allele origin: not applicable. Functional consequence: retained intron. Not counted in ClinVar's aggregate classification.

Literature cited by the submitters: PubMed 32922437 (cited by Labcorp Genetics (formerly Invitae), Labcorp); PubMed 17576681 (cited by Labcorp Genetics (formerly Invitae), Labcorp); PubMed 9536098 (cited by Labcorp Genetics (formerly Invitae), Labcorp).

NM_006371.5(CRTAP):c.1153-3C>G

Gene: CRTAP (cartilage associated protein; plus strand). Cytogenetic location: 3p22.3.
Variant type: single nucleotide variant.
Coding change: c.1153-3C>G on transcript NM_006371.5 (MANE Select); 3 bases into the intron before coding-DNA position 1153, C replaced by G.
Molecular consequence: intron variant.
Genome position (GRCh38, 1-based): chr3:33,142,392, C>G. VCF-style: chr3-33142392-C-G. GRCh37 (hg19) VCF-style: chr3-33183884-C-G.
Identifiers: ClinVar variation 1019549 (VCV001019549.8), dbSNP rs201554363, ClinGen allele CA2300521.